The following is an entry in ClinVar:

NM_194454.3(KRIT1):c.2025+26A>G

Gene: KRIT1 (KRIT1 ankyrin repeat containing; minus strand). Cytogenetic location: 7q21.2.
Variant type: single nucleotide variant.
Coding change: c.2025+26A>G on transcript NM_194454.3 (MANE Select); 26 bases into the intron after coding-DNA position 2025, A replaced by G.
Molecular consequence: intron variant.
Genome position (GRCh38, 1-based): chr7:92,213,169, T>C on the plus strand (A>G on the coding strand, the complement: KRIT1 is on the minus strand). VCF-style: chr7-92213169-T-C. GRCh37 (hg19) VCF-style: chr7-91842483-T-C.
Other names: c.2025+26A>G (NM_001350672.1, NM_001350676.1, NM_001350673.1 and 26 more transcripts); c.1881+26A>G (NM_001350669.1, NM_001013406.2, NM_001350670.1); c.1311+26A>G (NM_001350671.1).
Identifiers: ClinVar variation 590729 (VCV000590729.3), dbSNP rs183850671, ClinGen allele CA4338979.

ClinVar aggregate classification (germline): Benign (1 of 4 stars; one submission).

Conditions:
KRIT1-related disorder. Also called: KRIT1-related disorders; KRIT1-related condition.

Allele frequency attached by ClinVar (database versions not stated): gnomAD exomes 0.00027 and 0.00061; ExAC 0.00071; 1000 Genomes Project 0.00180; 1000 Genomes Project 30x 0.00203; gnomAD 0.00219 and 0.00225; TOPMed 0.00229; ESP Exome Variant Server 0.00300.
gnomAD v4.1: 707 of 1,483,928 alleles (0.048%); highest among the groups gnomAD compares: African/African-American, 0.79%; 7 homozygotes.

Submission:

PreventionGenetics, part of Exact Sciences
Classification: Benign for KRIT1-related condition. Last evaluated: 2024-12-29. Review status: criteria provided, single submitter. Criteria: ACMG Guidelines, 2015. Collection method: clinical testing. Allele origin: germline.
Comment: This variant is classified as benign based on ACMG/AMP sequence variant interpretation guidelines (Richards et al. 2015 PMID: 25741868, with internal and published modifications).